The following is an entry in ClinVar:

ClinVar aggregate classification (germline): Likely benign. Review status: criteria provided, multiple submitters, no conflicts (2 of 4 stars). 2 submissions from 2 submitters: Likely benign (2). Last evaluated 2025-03-07.

Conditions:
Pheochromocytoma/paraganglioma syndrome 5. Also called: Paragangliomas 5; SDHA-Related Hereditary Paraganglioma-Pheochromocytoma Syndrome. Identifiers: Orphanet 29072, MedGen C3279992, MONDO:0013602, OMIM 614165.
Mitochondrial complex II deficiency, nuclear type 1. Also called: SUCCINATE CoQ REDUCTASE DEFICIENCY. Identifiers: Orphanet 3208, MedGen C5700310, MONDO:0100294, OMIM 252011.

Allele frequency attached by ClinVar (database versions not stated): TOPMed below 0.00001.

Submissions (2):

Myriad Genetics, Inc.
Classification: Likely benign for Pheochromocytoma/paraganglioma syndrome 5. Last evaluated: 2025-03-07. Review status: criteria provided, single submitter. Criteria: Myriad Autosomal Dominant, Autosomal Recessive and X-Linked Classification Criteria (2023). Collection method: clinical testing. Allele origin: unknown.
Comment: This variant is considered likely benign. This variant is intronic and is not expected to impact mRNA splicing.

Labcorp Genetics (formerly Invitae), Labcorp
Classification: Likely benign for Pheochromocytoma/paraganglioma syndrome 5; Mitochondrial complex II deficiency, nuclear type 1. Last evaluated: 2023-11-10. Review status: criteria provided, single submitter. Criteria: Invitae Variant Classification Sherloc (09022015). Collection method: clinical testing. Allele origin: germline.

NM_004168.4(SDHA):c.1065-19T>C

Gene: SDHA (succinate dehydrogenase complex flavoprotein subunit A; plus strand). Cytogenetic location: 5p15.33.
Variant type: single nucleotide variant.
Coding change: c.1065-19T>C on transcript NM_004168.4 (MANE Select); 19 bases into the intron before coding-DNA position 1065, T replaced by C.
Molecular consequence: intron variant.
Genome position (GRCh38, 1-based): chr5:235,125, T>C. VCF-style: chr5-235125-T-C. GRCh37 (hg19) VCF-style: chr5-235240-T-C.
Other names: c.1065-19T>C (NM_001330758.2); c.921-19T>C (NM_001294332.2).
Identifiers: ClinVar variation 1593915 (VCV001593915.9), dbSNP rs1735682737, ClinGen allele CA1521995766.